The following is an entry in ClinVar:

ClinVar aggregate classification (germline): Uncertain significance (1 of 4 stars; one submission).

Submission:

GeneDx
Classification: Uncertain significance. Last evaluated: 2025-08-06. Review status: criteria provided, single submitter. Criteria: GeneDx Variant Classification Process June 2021. Collection method: clinical testing. Allele origin: germline. Affected: yes.
Comment: Published functional studies demonstrate the variant moderately impairs the activity of the promoter, suggesting a damaging effect (PMID: 36579410); No data available from control populations to assess the frequency of this variant; This variant is associated with the following publications: (PMID: 36579410)

NC_000015.10:g.76311473C>T

Gene: ETFA (electron transfer flavoprotein subunit alpha; minus strand). Cytogenetic location: 15q24.3.
Variant type: single nucleotide variant.
Genome position: GRCh38 VCF-style: chr15-76311473-C-T. GRCh37 (hg19) VCF-style: chr15-76603814-C-T.
Identifiers: ClinVar variation 4755763 (VCV004755763.1).